The following is an entry in ClinVar:

NM_001367561.1(DOCK7):c.3167T>C (p.Ile1056Thr)

Gene: DOCK7 (dedicator of cytokinesis 7; minus strand). Cytogenetic location: 1p31.3.
Variant type: single nucleotide variant.
Coding change: c.3167T>C on transcript NM_001367561.1 (MANE Select); coding-DNA position 3167, T replaced by C.
Protein change: p.Ile1056Thr; replaces isoleucine 1056 with threonine.
Molecular consequence: missense variant.
Genome position (GRCh38, 1-based): chr1:62,539,771, A>G on the plus strand (T>C on the coding strand, the complement: DOCK7 is on the minus strand). VCF-style: chr1-62539771-A-G. GRCh37 (hg19) VCF-style: chr1-63005442-A-G.
Other names: c.3167T>C, p.Ile1056Thr (NM_001271999.2, NM_001330614.2); c.3074T>C, p.Ile1025Thr (NM_001272000.2, NM_001272001.2, NM_033407.4); short protein forms I1025T, I1056T.
Identifiers: ClinVar variation 641303 (VCV000641303.6), dbSNP rs754889545, ClinGen allele CA886072.

ClinVar aggregate classification (germline): Uncertain significance (1 of 4 stars; one submission).

Conditions:
Developmental and epileptic encephalopathy, 23 (DEE23). Also called: Epileptic encephalopathy, early infantile, 23. Identifiers: Orphanet 411986, MedGen C4014492, MONDO:0014371, OMIM 615859.

Allele frequency attached by ClinVar (database versions not stated): gnomAD exomes 0.00001; ExAC 0.00002; TOPMed 0.00001; gnomAD 0.00003.
gnomAD v4.1: 15 of 1,613,234 alleles (0.00093%); highest among the groups gnomAD compares: South Asian, 0.0066%; no homozygotes.

Submission:

Labcorp Genetics (formerly Invitae), Labcorp
Classification: Uncertain significance for Developmental and epileptic encephalopathy, 23. Last evaluated: 2022-04-12. Review status: criteria provided, single submitter. Criteria: Invitae Variant Classification Sherloc (09022015). Collection method: clinical testing. Allele origin: germline.
Comment: This sequence change replaces isoleucine, which is neutral and non-polar, with threonine, which is neutral and polar, at codon 1056 of the DOCK7 protein (p.Ile1056Thr). This variant is present in population databases (rs754889545, gnomAD 0.007%). This variant has not been reported in the literature in individuals affected with DOCK7-related conditions. ClinVar contains an entry for this variant (Variation ID: 641303). Algorithms developed to predict the effect of missense changes on protein structure and function are either unavailable or do not agree on the potential impact of this missense change (SIFT: "Deleterious"; PolyPhen-2: "Possibly Damaging"; Align-GVGD: "Class C0"). In summary, the available evidence is currently insufficient to determine the role of this variant in disease. Therefore, it has been classified as a Variant of Uncertain Significance.